The following is an entry in ClinVar:

NM_003000.3(SDHB):c.271A>T (p.Arg91Ter)

Gene: SDHB (succinate dehydrogenase complex iron sulfur subunit B; minus strand). Cytogenetic location: 1p36.13.
Variant type: single nucleotide variant.
Coding change: c.271A>T on transcript NM_003000.3 (MANE Select); coding-DNA position 271, A replaced by T.
Protein change: p.Arg91Ter; replaces arginine 91 with a stop codon.
Molecular consequence: nonsense.
Genome position (GRCh38, 1-based): chr1:17,033,075, T>A on the plus strand (A>T on the coding strand, the complement: SDHB is on the minus strand). VCF-style: chr1-17033075-T-A. GRCh37 (hg19) VCF-style: chr1-17359570-T-A.
Other names: short protein forms R91*.
Identifiers: ClinVar variation 239427 (VCV000239427.9), dbSNP rs878854575, ClinGen allele CA10581748.

ClinVar aggregate classification (germline): Pathogenic. Review status: criteria provided, single submitter (1 of 4 stars). 2 submissions from 2 submitters: Pathogenic (1). 1 of the submissions does not count toward it. Last evaluated 2024-10-02.

Conditions:
Gastrointestinal stromal tumor. Also called: Gastrointestinal stromal tumor, somatic; Gastrointestinal stroma tumor. Identifiers: Orphanet 44890, MedGen C0238198, MeSH D046152, MONDO:0011719, OMIM 606764, HP:0100723.
Pheochromocytoma. Also called: MAX-Related Hereditary Paraganglioma-Pheochromocytoma Syndrome. Identifiers: Orphanet 29072, MedGen C0031511, MONDO:0008233, OMIM 171300, HP:0002666.
Pheochromocytoma/paraganglioma syndrome 4. Also called: PARAGANGLIOMA, FAMILIAL MALIGNANT; PARAGANGLIOMAS, HEREDITARY EXTRAADRENAL; PHEOCHROMOCYTOMA, FAMILIAL EXTRAADRENAL; Paragangliomas 4; SDHB-Related Hereditary Paraganglioma-Pheochromocytoma Syndrome (Paragangliomas 4); SDHB-Related Hereditary Paraganglioma-Pheochromocytoma Syndrome. Identifiers: Orphanet 29072, MedGen C1861848, MONDO:0007273, OMIM 115310.
Hereditary pheochromocytoma and paraganglioma. Also called: Hereditary Paraganglioma-Pheochromocytoma Syndromes; Hereditary pheochromocytoma-paraganglioma; Hereditary paragangliomas and pheochromocytomas. Identifiers: Orphanet 29072, MedGen C4274332, MONDO:0017366.

Submissions (2):

Labcorp Genetics (formerly Invitae), Labcorp
Classification: Pathogenic for Gastrointestinal stromal tumor; Pheochromocytoma/paraganglioma syndrome 4; Pheochromocytoma. Last evaluated: 2024-10-02. Review status: criteria provided, single submitter. Criteria: Invitae Variant Classification Sherloc (09022015). Collection method: clinical testing. Allele origin: germline.
Comment: This sequence change creates a premature translational stop signal (p.Arg91*) in the SDHB gene. It is expected to result in an absent or disrupted protein product. Loss-of-function variants in SDHB are known to be pathogenic (PMID: 19454582, 19802898). This variant is not present in population databases (gnomAD no frequency). This variant has not been reported in the literature in individuals affected with SDHB-related conditions. ClinVar contains an entry for this variant (Variation ID: 239427). For these reasons, this variant has been classified as Pathogenic.

Section on Medical Neuroendocrinolgy, National Institutes of Health
Classification: Pathogenic for Hereditary pheochromocytoma and paraganglioma. Review status: no assertion criteria provided. Collection method: research. Allele origin: germline. Affected: yes. Not counted in ClinVar's aggregate classification.

Literature cited by the submitters: PubMed 19454582 (cited by Labcorp Genetics (formerly Invitae), Labcorp); PubMed 19802898 (cited by Labcorp Genetics (formerly Invitae), Labcorp).